The following is an entry in ClinVar:

NM_000238.4(KCNH2):c.306T>C (p.Asp102=)

Gene: KCNH2 (potassium voltage-gated channel subfamily H member 2; minus strand). Cytogenetic location: 7q36.1.
Variant type: single nucleotide variant.
Coding change: c.306T>C on transcript NM_000238.4 (MANE Select); coding-DNA position 306, T replaced by C.
Protein change: p.Asp102=; no amino-acid change (aspartic acid 102 retained).
Molecular consequence: synonymous variant. On other transcripts: non-coding transcript variant (1).
Genome position (GRCh38, 1-based): chr7:150,974,712, A>G on the plus strand (T>C on the coding strand, the complement: KCNH2 is on the minus strand). VCF-style: chr7-150974712-A-G. GRCh37 (hg19) VCF-style: chr7-150671800-A-G.
Other names: c.129T>C, p.Asp43= (NM_001406755.1); c.306T>C, p.Asp102= (NM_172056.3).
Identifiers: ClinVar variation 1021554 (VCV001021554.12), dbSNP rs1005025657, ClinGen allele CA169090225.
Genomic context (GRCh38, chr7:150,974,712, plus strand): 5'-GTGGTCCCGCCCCTCTTGACCCCGCCCCTGGTCGTGGCCCCGCCCCGGCCCGCTCCTACC[A>G]TCTTTCCGGTAGAAGGCGATTTCCACTTTGCGCTCCTCGGCGCCCAGCAGTGCCTGCGCG-3'
Protein context (NP_000229.1, residues 92-112): RKVEIAFYRK[Asp102=]GSCFLCLVDV

ClinVar aggregate classification (germline): Conflicting classifications of pathogenicity. Review status: criteria provided, conflicting classifications (1 of 4 stars). 3 submissions from 3 submitters: Uncertain significance (2); Likely benign (1). Last evaluated 2025-04-07.

Conditions:
Cardiovascular phenotype. Identifiers: MedGen CN230736.
Long QT syndrome 2 (LQT2). Identifiers: Orphanet 101016, Orphanet 768, MedGen C3150943, MONDO:0013367, OMIM 613688.
Long QT syndrome (LQTS). Identifiers: MedGen C0023976, MeSH D008133, MONDO:0002442. Disease mechanism: loss of function. Inheritance: Various modes of inheritance.

Allele frequency attached by ClinVar (database versions not stated): gnomAD exomes below 0.00001; gnomAD 0.00002.
gnomAD v4.1: 5 of 1,372,050 alleles (0.00036%); highest among the groups gnomAD compares: African/African-American, 0.0048%; no homozygotes.

Submissions (3):

Labcorp Genetics (formerly Invitae), Labcorp
Classification: Uncertain significance for Long QT syndrome. Last evaluated: 2025-04-07. Review status: criteria provided, single submitter. Criteria: Invitae Variant Classification Sherloc (09022015). Collection method: clinical testing. Allele origin: germline.
Comment: This sequence change affects codon 102 of the KCNH2 mRNA. It is a 'silent' change, meaning that it does not change the encoded amino acid sequence of the KCNH2 protein. It affects a nucleotide within the consensus splice site. This variant is present in population databases (no rsID available, gnomAD 0.04%). This variant has not been reported in the literature in individuals affected with KCNH2-related conditions. ClinVar contains an entry for this variant (Variation ID: 1021554). Algorithms developed to predict the effect of sequence changes on RNA splicing suggest that this variant is not likely to affect RNA splicing. In summary, the available evidence is currently insufficient to determine the role of this variant in disease. Therefore, it has been classified as a Variant of Uncertain Significance.

Ambry Genetics
Classification: Likely benign for Cardiovascular phenotype. Last evaluated: 2021-09-28. Review status: criteria provided, single submitter. Criteria: Ambry Variant Classification Scheme 2023. Collection method: clinical testing. Allele origin: germline.

New York Genome Center
Classification: Uncertain significance for Long QT syndrome 2. Last evaluated: 2021-08-26. Review status: criteria provided, single submitter. Criteria: NYGC Assertion Criteria 2020. Collection method: clinical testing. Allele origin: inherited. Observed: 1 heterozygote. Study: CSER-NYCKidSeq.